The following is an entry in ClinVar:

ClinVar aggregate classification (germline): Uncertain significance. Review status: criteria provided, multiple submitters, no conflicts (2 of 4 stars). 5 submissions from 5 submitters: Uncertain significance (4). 1 of the submissions does not count toward it. Last evaluated 2026-08-21.

Conditions:
Autosomal recessive limb-girdle muscular dystrophy type 2Q (LGMDR17). Also called: MUSCULAR DYSTROPHY, LIMB-GIRDLE, AUTOSOMAL RECESSIVE 17. Identifiers: Orphanet 254361, MedGen C3150989, MONDO:0013390, OMIM 613723.
Epidermolysis bullosa simplex 5B, with muscular dystrophy (EBS5B). Also called: EPIDERMOLYSIS BULLOSA SIMPLEX AND LIMB-GIRDLE MUSCULAR DYSTROPHY; Epidermolysis bullosa simplex with muscular dystrophy. Identifiers: Orphanet 257, MedGen C2931072, MONDO:0009181, OMIM 226670.
Epidermolysis bullosa simplex, Ogna type (EBS5A). Also called: Pidermolysis bullosa simplex 5A, Ogna type; EPIDERMOLYSIS BULLOSA SIMPLEX 5A, OGNA TYPE. Identifiers: Orphanet 79401, MedGen C0432317, MONDO:0007555, OMIM 131950.
Epidermolysis bullosa simplex with nail dystrophy (EBS5D). Identifiers: MedGen C4225309, MONDO:0014661, OMIM 616487.
Epidermolysis bullosa simplex 5C, with pyloric atresia (EBS5C). Also called: PLEC-Related Epidermolysis Bullosa with Pyloric Atresia; Epidermolysis bullosa simplex with pyloric atresia; PLEC1-Related Epidermolysis Bullosa with Pyloric Atresia. Identifiers: Orphanet 158684, MedGen C2677349, MONDO:0012807, OMIM 612138.
PLEC-related disorder. Also called: PLEC-related disorders; PLEC-related condition.

Allele frequency attached by ClinVar (database versions not stated): TOPMed 0.00010.
gnomAD v4.1: 243 of 1,600,198 alleles (0.015%); highest among the groups gnomAD compares: Non-Finnish European, 0.02%; no homozygotes.

Submissions (5):

PreventionGenetics, part of Exact Sciences
Classification: Uncertain significance for PLEC-related condition. Last evaluated: 2026-08-21. Review status: criteria provided, single submitter. Criteria: ACMG Guidelines, 2015. Collection method: clinical testing. Allele origin: germline.
Comment: The PLEC c.2317C>T variant is predicted to result in the amino acid substitution p.Arg773Cys. To our knowledge, this variant has not been reported in the literature. This variant is reported in 0.015% of alleles in individuals of European (Non-Finnish) descent in gnomAD. At this time, the clinical significance of this variant is uncertain due to the absence of conclusive functional and genetic evidence.

Labcorp Genetics (formerly Invitae), Labcorp
Classification: Uncertain significance for Autosomal recessive limb-girdle muscular dystrophy type 2Q; Epidermolysis bullosa simplex, Ogna type; Epidermolysis bullosa simplex with nail dystrophy; Epidermolysis bullosa simplex 5C, with pyloric atresia; Epidermolysis bullosa simplex 5B, with muscular dystrophy. Last evaluated: 2025-11-11. Review status: criteria provided, single submitter. Criteria: Invitae Variant Classification Sherloc (09022015). Collection method: clinical testing. Allele origin: germline.
Comment: This sequence change replaces arginine, which is basic and polar, with cysteine, which is neutral and slightly polar, at codon 773 of the PLEC protein (p.Arg773Cys). This variant is present in population databases (rs782156696, gnomAD 0.01%). This missense change has been observed in individual(s) with muscle weakness (internal data). ClinVar contains an entry for this variant (Variation ID: 478592). Invitae Evidence Modeling of protein sequence and biophysical properties (such as structural, functional, and spatial information, amino acid conservation, physicochemical variation, residue mobility, and thermodynamic stability) indicates that this missense variant is not expected to disrupt PLEC protein function with a negative predictive value of 80%. In summary, the available evidence is currently insufficient to determine the role of this variant in disease. Therefore, it has been classified as a Variant of Uncertain Significance.

Revvity Omics, Revvity
Classification: Uncertain significance. Last evaluated: 2025-06-10. Review status: criteria provided, single submitter. Criteria: ACMG Guidelines, 2015. Collection method: clinical testing. Allele origin: germline.

Eurofins Ntd Llc (ga)
Classification: Uncertain significance. Last evaluated: 2018-07-10. Review status: criteria provided, single submitter. Criteria: EGL ClinVar v180209 classification definitions. Collection method: clinical testing. Allele origin: germline. Observed: 4 variant alleles, 4 heterozygotes.

Department of Pathology and Laboratory Medicine, Sinai Health System
Classification: Uncertain significance. Review status: no assertion criteria provided. Collection method: clinical testing. Allele origin: unknown. Affected: yes. Study: The Canadian Open Genetics Repository (COGR). Not counted in ClinVar's aggregate classification.
Comment: The PLEC p.Arg773Cys variant was not identified in the literature nor was it identified in Cosmic or LOVD 3.0. The variant was identified in dbSNP (ID: rs782156696) and ClinVar (classified as a VUS by EGL Genetic Diagnostics and Invitae). The variant was identified in control databases in 19 of 254526 chromosomes at a frequency of 0.000075 (Genome Aggregation Database March 6, 2019, v2.1.1). The variant was observed in the following populations: European (non-Finnish) in 17 of 115540 chromosomes (freq: 0.000147), African in 1 of 21574 chromosomes (freq: 0.000046) and South Asian in 1 of 27732 chromosomes (freq: 0.000036), but was not observed in the Latino, Ashkenazi Jewish, East Asian, European (Finnish), and Other populations. The p.Arg773 residue is conserved in mammals but not in more distantly related organisms, and four out of five computational analyses (PolyPhen-2, SIFT, AlignGVGD, BLOSUM, MutationTaster) suggest that the variant may impact the protein; however, this information is not predictive enough to assume pathogenicity. The variant occurs outside of the splicing consensus sequence and in silico or computational prediction software programs (SpliceSiteFinder, MaxEntScan, NNSPLICE, GeneSplicer) do not predict a difference in splicing. In summary, based on the above information the clinical significance of this variant cannot be determined with certainty at this time. This variant is classified as a variant of uncertain significance.

NM_201384.3(PLEC):c.2236C>T (p.Arg746Cys)

Gene: PLEC (plectin; minus strand). Cytogenetic location: 8q24.3.
Variant type: single nucleotide variant.
Coding change: c.2236C>T on transcript NM_201384.3 (MANE Select); coding-DNA position 2236, C replaced by T.
Protein change: p.Arg746Cys; replaces arginine 746 with cysteine.
Molecular consequence: missense variant.
Genome position (GRCh38, 1-based): chr8:143,931,602, G>A on the plus strand (C>T on the coding strand, the complement: PLEC is on the minus strand). VCF-style: chr8-143931602-G-A. GRCh37 (hg19) VCF-style: chr8-145005770-G-A.
Other names: c.2317C>T, p.Arg773Cys (NM_000445.5); c.2194C>T, p.Arg732Cys (NM_201378.4); c.2170C>T, p.Arg724Cys (NM_201379.3); c.2647C>T, p.Arg883Cys (NM_201380.4); c.2140C>T, p.Arg714Cys (NM_201381.3); c.2236C>T, p.Arg746Cys (NM_201382.4); c.2248C>T, p.Arg750Cys (NM_201383.3); short protein forms R714C, R732C, R746C, R773C, R724C, R883C, R750C.
Identifiers: ClinVar variation 478592 (VCV000478592.17), dbSNP rs782156696, ClinGen allele CA4927605.
Genomic context (GRCh38, chr8:143,931,602, plus strand): 5'-CCTGCAGCAGGTCCTCCAGCCGGGTGACGGTGGCGGAGCGATCACAACTGTATTTCCTAC[G>A]CAGTGCCTCCTGCAGCTTCTGCAACTGCCCCTCGGCCTCCCGCACATCTGAGAAGAACTG-3'
Protein context (NP_958786.1, residues 736-756): GQLQKLQEAL[Arg746Cys]RKYSCDRSAT